The following is an entry in ClinVar:

ClinVar aggregate classification (germline): Benign (0 of 4 stars; one submission).

Conditions:
OSMR-related disorder. Also called: OSMR-related condition.

Allele frequency attached by ClinVar (database versions not stated): 1000 Genomes Project 0.14637; 1000 Genomes Project 30x 0.15147; TOPMed 0.17919; ESP Exome Variant Server 0.19237.
gnomAD v4.1: 271,816 of 1,613,218 alleles (17%); highest among the groups gnomAD compares: African/African-American, 25%; 24,299 homozygotes.

Submission:

PreventionGenetics, part of Exact Sciences
Classification: Benign for OSMR-related condition. Last evaluated: 2019-11-07. Review status: no assertion criteria provided. Collection method: clinical testing. Allele origin: germline.
Comment: This variant is classified as benign based on ACMG/AMP sequence variant interpretation guidelines (Richards et al. 2015 PMID: 25741868, with internal and published modifications).

NM_003999.3(OSMR):c.1579G>A (p.Glu527Lys)

Gene: OSMR (oncostatin M receptor; plus strand). Cytogenetic location: 5p13.1.
Variant type: single nucleotide variant.
Coding change: c.1579G>A on transcript NM_003999.3 (MANE Select); coding-DNA position 1579, G replaced by A.
Protein change: p.Glu527Lys; replaces glutamic acid 527 with lysine.
Molecular consequence: missense variant.
Genome position (GRCh38, 1-based): chr5:38,919,056, G>A. VCF-style: chr5-38919056-G-A. GRCh37 (hg19) VCF-style: chr5-38919158-G-A.
Other names: c.1579G>A, p.Glu527Lys (NM_001323505.2, NM_001323507.2); c.1582G>A, p.Glu528Lys (NM_001323506.2); short protein forms E528K, E527K.
Identifiers: ClinVar variation 3060097 (VCV003060097.2), dbSNP rs10941412, ClinGen allele CA3244077.